The following is an entry in ClinVar:

NM_001114753.3(ENG):c.219+2T>G

Gene: ENG (endoglin; minus strand). Cytogenetic location: 9q34.11.
Variant type: single nucleotide variant.
Coding change: c.219+2T>G on transcript NM_001114753.3 (MANE Select); the canonical splice donor site of the intron after coding-DNA position 219, T replaced by G.
Molecular consequence: splice donor variant.
Genome position (GRCh38, 1-based): chr9:127,843,092, A>C on the plus strand (T>G on the coding strand, the complement: ENG is on the minus strand). VCF-style: chr9-127843092-A-C. GRCh37 (hg19) VCF-style: chr9-130605371-A-C.
Other names: c.219+2T>G (NM_000118.4, NM_001406715.1); c.-328+2T>G (NM_001278138.2).
Identifiers: ClinVar variation 2744880 (VCV002744880.5), dbSNP rs2131918332, ClinGen allele CA374988822.

ClinVar aggregate classification (germline): Pathogenic. Review status: criteria provided, multiple submitters, no conflicts (2 of 4 stars). 2 submissions from 2 submitters: Pathogenic (2). Last evaluated 2025-03-19.

Conditions:
Telangiectasia, hereditary hemorrhagic, type 1 (HHT1). Also called: Osler Weber Rendu syndrome type 1; ENG-Related Hereditary Hemorrhagic Telangiectasia. Identifiers: Orphanet 774, MedGen C4551861, MONDO:0008535, OMIM 187300. Disease mechanism: loss of function.
Hereditary hemorrhagic telangiectasia (HHT). Also called: ORW DISEASE; Osler Weber Rendu syndrome; OSLER-RENDU-WEBER DISEASE; Osler hemorrhagic telangiectasia syndrome. Identifiers: Orphanet 774, MedGen C0039445, MONDO:0019180. Disease mechanism: loss of function.

Submissions (3):

Labcorp Genetics (formerly Invitae), Labcorp
Classification: Pathogenic for Hereditary hemorrhagic telangiectasia. Last evaluated: 2025-03-19. Review status: criteria provided, single submitter. Criteria: Invitae Variant Classification Sherloc (09022015). Collection method: clinical testing. Allele origin: germline.
Comment: This sequence change affects a donor splice site in intron 2 of the ENG gene. It is expected to disrupt RNA splicing. Variants that disrupt the donor or acceptor splice site typically lead to a loss of protein function (PMID: 16199547), and loss-of-function variants in ENG are known to be pathogenic (PMID: 15879500). This variant is not present in population databases (gnomAD no frequency). Disruption of this splice site has been observed in individuals with hereditary hemorrhagic telangiectasia (internal data). ClinVar contains an entry for this variant (Variation ID: 2744880). Algorithms developed to predict the effect of sequence changes on RNA splicing suggest that this variant may disrupt the consensus splice site. For these reasons, this variant has been classified as Pathogenic.

Clinical Genetics and Genomics, Karolinska University Hospital
Classification: Pathogenic for Telangiectasia, hereditary hemorrhagic, type 1. Last evaluated: 2025-03-17. Review status: criteria provided, single submitter. Criteria: ACMG Guidelines, 2015. Collection method: clinical testing. Allele origin: germline. Inheritance: Autosomal dominant inheritance. Affected: yes.

Dr. Peter K. Rogan Lab, Western University
No classification provided (evidence only). Condition: Thyroid cancer, nonmedullary, 1. Review status: no classification provided. Collection method: in vitro. Allele origin: not applicable. Functional consequence: retained intron. Not counted in ClinVar's aggregate classification.

Literature cited by the submitters: PubMed 16199547 (cited by Labcorp Genetics (formerly Invitae), Labcorp); PubMed 15879500 (cited by Labcorp Genetics (formerly Invitae), Labcorp).